The following is an entry in ClinVar:

NM_000077.5(CDKN2A):c.150+129A>G

Gene: CDKN2A (cyclin dependent kinase inhibitor 2A; minus strand). Cytogenetic location: 9p21.3.
Variant type: single nucleotide variant.
Coding change: c.150+129A>G on transcript NM_000077.5 (MANE Select); 129 bases into the intron after coding-DNA position 150, A replaced by G.
Molecular consequence: intron variant. On other transcripts: synonymous variant (1).
Genome position (GRCh38, 1-based): chr9:21,974,549, T>C on the plus strand (A>G on the coding strand, the complement: CDKN2A is on the minus strand). VCF-style: chr9-21974549-T-C. GRCh37 (hg19) VCF-style: chr9-21974548-T-C.
Other names: c.279A>G, p.Ser93= (NM_058197.5); c.-3-3341A>G (NM_001363763.2); c.194-3341A>G (NM_058195.4); c.150+129A>G (NM_001195132.2).
Identifiers: ClinVar variation 3030853 (VCV003030853.2), dbSNP rs781780454, ClinGen allele CA5012272.

ClinVar aggregate classification (germline): Likely benign (0 of 4 stars; one submission).

Conditions:
CDKN2A-related disorder. Also called: CDKN2A-related condition.

Allele frequency attached by ClinVar (database versions not stated): ExAC 0.00001; gnomAD exomes 0.00002.
gnomAD v4.1: 33 of 1,613,398 alleles (0.002%); highest among the groups gnomAD compares: Non-Finnish European, 0.0025%; no homozygotes.

Submission:

PreventionGenetics, part of Exact Sciences
Classification: Likely benign for CDKN2A-related condition. Last evaluated: 2021-12-30. Review status: no assertion criteria provided. Collection method: clinical testing. Allele origin: germline.
Comment: This variant is classified as likely benign based on ACMG/AMP sequence variant interpretation guidelines (Richards et al. 2015 PMID: 25741868, with internal and published modifications).